The following is an entry in ClinVar:

NM_001040436.3(YARS2):c.819A>G (p.Leu273=)

Gene: YARS2 (tyrosyl-tRNA synthetase 2; minus strand). Cytogenetic location: 12p11.21.
Variant type: single nucleotide variant.
Coding change: c.819A>G on transcript NM_001040436.3 (MANE Select); coding-DNA position 819, A replaced by G.
Protein change: p.Leu273=; no amino-acid change (leucine 273 retained).
Molecular consequence: synonymous variant.
Genome position (GRCh38, 1-based): chr12:32,754,046, T>C on the plus strand (A>G on the coding strand, the complement: YARS2 is on the minus strand). VCF-style: chr12-32754046-T-C. GRCh37 (hg19) VCF-style: chr12-32906980-T-C.
Identifiers: ClinVar variation 308458 (VCV000308458.14), dbSNP rs149781186, ClinGen allele CA6508082.

ClinVar aggregate classification (germline): Conflicting classifications of pathogenicity. Review status: criteria provided, conflicting classifications (1 of 4 stars). 4 submissions from 4 submitters: Uncertain significance (1); Likely benign (3). Last evaluated 2026-06-17.

Conditions:
Myopathy, lactic acidosis, and sideroblastic anemia 2 (MLASA2). Identifiers: Orphanet 2598, MedGen C3150802, MONDO:0013307, OMIM 613561.
YARS2-related disorder. Also called: YARS2-related condition.

Allele frequency attached by ClinVar (database versions not stated): ExAC 0.00011; gnomAD 0.00011; gnomAD exomes 0.00011 and 0.00022; TOPMed 0.00014; ESP Exome Variant Server 0.00023.
gnomAD v4.1: 327 of 1,614,110 alleles (0.02%); highest among the groups gnomAD compares: Non-Finnish European, 0.027%; no homozygotes.

Submissions (4):

PreventionGenetics, part of Exact Sciences
Classification: Likely benign for YARS2-related condition. Last evaluated: 2026-06-17. Review status: criteria provided, single submitter. Criteria: ACMG Guidelines, 2015. Collection method: clinical testing. Allele origin: germline.
Comment: This variant is classified as likely benign based on ACMG/AMP sequence variant interpretation guidelines (Richards et al. 2015 PMID: 25741868, with internal and published modifications).

Labcorp Genetics (formerly Invitae), Labcorp
Classification: Likely benign. Last evaluated: 2026-01-01. Review status: criteria provided, single submitter. Criteria: Invitae Variant Classification Sherloc (09022015). Collection method: clinical testing. Allele origin: germline.

Illumina Laboratory Services, Illumina
Classification: Uncertain significance for Myopathy, lactic acidosis, and sideroblastic anemia 2. Last evaluated: 2018-01-13. Review status: criteria provided, single submitter. Criteria: ICSL Variant Classification Criteria 13 December 2019. Collection method: clinical testing. Allele origin: germline.

GeneDx
Classification: Likely benign. Last evaluated: 2017-03-08. Review status: criteria provided, single submitter. Criteria: GeneDx Variant Classification (06012015). Collection method: clinical testing. Allele origin: germline. Affected: yes.
Comment: This variant is considered likely benign or benign based on one or more of the following criteria: it is a conservative change, it occurs at a poorly conserved position in the protein, it is predicted to be benign by multiple in silico algorithms, and/or has population frequency not consistent with disease.